The following is an entry in ClinVar:

NM_004656.4(BAP1):c.1334T>C (p.Ile445Thr)

Gene: BAP1 (BRCA1 associated deubiquitinase 1; minus strand). Cytogenetic location: 3p21.1.
Variant type: single nucleotide variant.
Coding change: c.1334T>C on transcript NM_004656.4 (MANE Select); coding-DNA position 1334, T replaced by C.
Protein change: p.Ile445Thr; replaces isoleucine 445 with threonine.
Molecular consequence: missense variant.
Genome position (GRCh38, 1-based): chr3:52,403,811, A>G on the plus strand (T>C on the coding strand, the complement: BAP1 is on the minus strand). VCF-style: chr3-52403811-A-G. GRCh37 (hg19) VCF-style: chr3-52437827-A-G.
Other names: c.1334T>C (NM_004656.3); short protein forms I445T.
Identifiers: ClinVar variation 1463503 (VCV001463503.10), dbSNP rs781013694, ClinGen allele CA2436823.

ClinVar aggregate classification (germline): Conflicting classifications of pathogenicity. Review status: criteria provided, conflicting classifications (1 of 4 stars). 3 submissions from 3 submitters: Uncertain significance (2); Likely benign (1). Last evaluated 2025-10-03.

Conditions:
Hereditary cancer-predisposing syndrome. Also called: Tumor predisposition; Hereditary neoplastic syndrome; Hereditary Cancer Syndrome; Neoplastic Syndromes, Hereditary. Identifiers: Orphanet 140162, MedGen C0027672, MeSH D009386, MONDO:0015356.
BAP1-related tumor predisposition syndrome (TPDS1). Also called: Tumor susceptibility linked to germline BAP1 mutations; BAP1 tumor predisposition syndrome; TUMOR PREDISPOSITION SYNDROME 1; COMMON Syndrome. Identifiers: Orphanet 289539, MedGen C3280492, MONDO:0013692, OMIM 614327.

Allele frequency attached by ClinVar (database versions not stated): gnomAD exomes below 0.00001 and 0.00002; ExAC 0.00001; gnomAD 0.00001.
gnomAD v4.1: 14 of 1,613,942 alleles (0.00087%); highest among the groups gnomAD compares: Non-Finnish European, 0.00025%; no homozygotes.

Submissions (3):

Ambry Genetics
Classification: Likely benign for Hereditary cancer-predisposing syndrome. Last evaluated: 2025-10-03. Review status: criteria provided, single submitter. Criteria: Ambry Variant Classification Scheme 2023. Collection method: clinical testing. Allele origin: germline.

GeneDx
Classification: Uncertain significance. Last evaluated: 2025-04-18. Review status: criteria provided, single submitter. Criteria: GeneDx Variant Classification Process June 2021. Collection method: clinical testing. Allele origin: germline. Affected: yes.
Comment: Not observed at significant frequency in large population cohorts (gnomAD); In silico analysis indicates that this missense variant does not alter protein structure/function; Has not been previously published as pathogenic or benign to our knowledge

Labcorp Genetics (formerly Invitae), Labcorp
Classification: Uncertain significance for BAP1-related tumor predisposition syndrome. Last evaluated: 2023-05-21. Review status: criteria provided, single submitter. Criteria: Invitae Variant Classification Sherloc (09022015). Collection method: clinical testing. Allele origin: germline.
Comment: In summary, the available evidence is currently insufficient to determine the role of this variant in disease. Therefore, it has been classified as a Variant of Uncertain Significance. Advanced modeling of protein sequence and biophysical properties (such as structural, functional, and spatial information, amino acid conservation, physicochemical variation, residue mobility, and thermodynamic stability) performed at Invitae indicates that this missense variant is not expected to disrupt BAP1 protein function. ClinVar contains an entry for this variant (Variation ID: 1463503). This variant has not been reported in the literature in individuals affected with BAP1-related conditions. This variant is present in population databases (rs781013694, gnomAD 0.004%). This sequence change replaces isoleucine, which is neutral and non-polar, with threonine, which is neutral and polar, at codon 445 of the BAP1 protein (p.Ile445Thr).

Literature cited by the submitters: PubMed 38969833 (cited by Ambry Genetics).